The following is an entry in ClinVar:

NM_001818.5(AKR1C4):c.690A>C (p.Pro230=)

Gene: AKR1C4 (aldo-keto reductase family 1 member C4; plus strand). Cytogenetic location: 10p15.1.
Variant type: single nucleotide variant.
Coding change: c.690A>C on transcript NM_001818.5 (MANE Select); coding-DNA position 690, A replaced by C.
Protein change: p.Pro230=; no amino-acid change (proline 230 retained).
Molecular consequence: synonymous variant.
Genome position (GRCh38, 1-based): chr10:5,213,003, A>C. VCF-style: chr10-5213003-A-C. GRCh37 (hg19) VCF-style: chr10-5254966-A-C.
Identifiers: ClinVar variation 2640285 (VCV002640285.24), dbSNP rs2491061432, ClinGen allele CA467995930.

ClinVar aggregate classification (germline): Likely benign (1 of 4 stars; one submission).

Submission:

CeGaT Center for Human Genetics Tuebingen
Classification: Likely benign. Last evaluated: 2022-07-01. Review status: criteria provided, single submitter. Criteria: CeGaT Center For Human Genetics Tuebingen Variant Classification Criteria Version 2. Collection method: clinical testing. Allele origin: germline. Affected: yes. Observed: 1 variant allele.
Comment: AKR1C4: PM2:Supporting, BP4, BP7